The following is an entry in ClinVar:

NM_152594.3(SPRED1):c.1075_1076insAGTA (p.Ile359fs)

Gene: SPRED1 (sprouty related EVH1 domain containing 1; plus strand). Cytogenetic location: 15q14.
Variant type: Insertion.
Coding change: c.1075_1076insAGTA on transcript NM_152594.3 (MANE Select); coding-DNA positions 1075 to 1076, AGTA inserted.
Protein change: p.Ile359fs; shifts the reading frame from isoleucine 359.
Molecular consequence: frameshift variant.
Genome position: GRCh38 VCF-style: chr15-38351402-C-CTAAG. GRCh37 (hg19) VCF-style: chr15-38643603-C-CTAAG.
Other names: short protein forms I359fs.
Identifiers: ClinVar variation 1784545 (VCV001784545.2), dbSNP rs2542743815, ClinGen allele CA2580089331.

ClinVar aggregate classification (germline): Likely pathogenic (1 of 4 stars; one submission).

Conditions:
Cardiovascular phenotype. Identifiers: MedGen CN230736.

Submission:

Ambry Genetics
Classification: Likely pathogenic for Cardiovascular phenotype. Last evaluated: 2021-05-27. Review status: criteria provided, single submitter. Criteria: Ambry Variant Classification Scheme 2023. Collection method: clinical testing. Allele origin: germline.
Comment: The c.1075_1076insAGTA variant, located in coding exon 7 of the SPRED1 gene, results from an insertion of 4 nucleotides at position 1075, causing a translational frameshift with a predicted alternate stop codon (p.I359Kfs*3). This alteration occurs at the 3' terminus of theSPRED1 gene, is not expected to trigger nonsense-mediated mRNA decay, and only impacts the last 19.4% of the protein. However, premature stop codons are typically deleterious in nature, and the impacted region is critical for protein function (Ambry internal data). Another alteration downstream of this alteration, c.1149_1152del (p.G385Ifs*20), has been reported in several individuals suspected to have Legius syndrome (Denayer E et al. Hum Mutat, 2011 Jan;32:E1985-98; Messiaen L et al. JAMA, 2009 Nov;302:2111-8; Castellanos E et al. Clin Genet, 2020 02;97:264-275). Based on the majority of available evidence to date, this variant is likely to be pathogenic.